The following is an entry in ClinVar:

ClinVar aggregate classification (germline): Likely pathogenic. Review status: criteria provided, multiple submitters, no conflicts (2 of 4 stars). 2 submissions from 2 submitters: Likely pathogenic (2). Last evaluated 2024-08-12.

Conditions:
Fanconi anemia (FA). Also called: Fanconi's anemia. Identifiers: Orphanet 84, MedGen C0015625, MeSH D005199, MONDO:0019391.
Fanconi anemia complementation group A (FANCA). Also called: FANCA-Related Fanconi Anemia; Fanconi anemia, group A. Identifiers: Orphanet 84, MedGen C3469521, MONDO:0009215, OMIM 227650.

Submissions (2):

Natera, Inc.
Classification: Likely pathogenic for Fanconi anemia. Last evaluated: 2024-08-12. Review status: criteria provided, single submitter. Criteria: Natera Variant Classification Schema (03/2026). Collection method: clinical testing. Allele origin: germline.
Comment: The c.449_450delAG variant in FANCA is a frameshift variant predicted to shift the reading frame beginning at codon 150 and leads to a stop codon 30 codons downstream. This variant is expected to result in nonsense mediated decay, truncation, or a dysfunctional protein product. This variant is rare in the general population with a frequency below the threshold expected for the associated phenotype(s). Given the available evidence, this variant is classified as Likely Pathogenic.

Baylor Genetics
Classification: Likely pathogenic for Fanconi anemia complementation group A. Last evaluated: 2023-04-08. Review status: criteria provided, single submitter. Criteria: ACMG Guidelines, 2015. Collection method: clinical testing. Allele origin: unknown.

NM_000135.4(FANCA):c.449_450del (p.Glu150fs)

Gene: FANCA (FA complementation group A; minus strand). Cytogenetic location: 16q24.3.
Variant type: Microsatellite.
Coding change: c.449_450del on transcript NM_000135.4 (MANE Select); coding-DNA positions 449 to 450, 2 bases deleted (AG; older notation c.449_450delAG).
Protein change: p.Glu150fs; shifts the reading frame from glutamic acid 150.
Molecular consequence: frameshift variant. On other transcripts: intron variant (1).
Genome position (GRCh38, 1-based): chr16:89,810,779-89,810,780, CT deleted on the plus strand (AG on the coding strand, the reverse complement: FANCA is on the minus strand); deleting any 2 consecutive bases within chr16:89,810,779-89,810,782 gives the same sequence; the c. name uses the placement nearest the transcript's 3' end. VCF-style (leftmost placement, unchanged base first): chr16-89810778-ACT-A. GRCh37 (hg19) VCF-style: chr16-89877186-ACT-A.
Other names: c.449_450delAG (NM_000135.3); c.449_450del, p.Glu150fs (NM_001018112.3, NM_001286167.3); c.426+149_426+150del (NM_001351830.2); short protein forms E150fs.
Identifiers: ClinVar variation 2675437 (VCV002675437.2), dbSNP rs2544362718, ClinGen allele CA2635042419.